The following is an entry in ClinVar:

ClinVar aggregate classification (germline): Benign (1 of 4 stars; one submission).

Allele frequency attached by ClinVar (database versions not stated): 1000 Genomes Project 0.69298; 1000 Genomes Project 30x 0.69365; TOPMed 0.71140; gnomAD 0.72123.

Submission:

GeneDx
Classification: Benign. Last evaluated: 2018-06-19. Review status: criteria provided, single submitter. Criteria: GeneDx Variant Classification (06012015). Collection method: clinical testing. Allele origin: germline. Affected: yes.
Comment: This variant is considered likely benign or benign based on one or more of the following criteria: it is a conservative change, it occurs at a poorly conserved position in the protein, it is predicted to be benign by multiple in silico algorithms, and/or has population frequency not consistent with disease.

NM_000216.4(ANOS1):c.1355-263G>A

Gene: ANOS1 (anosmin 1; minus strand). Cytogenetic location: Xp22.31.
Variant type: single nucleotide variant.
Coding change: c.1355-263G>A on transcript NM_000216.4 (MANE Select); 263 bases into the intron before coding-DNA position 1355, G replaced by A.
Molecular consequence: intron variant.
Genome position (GRCh38, 1-based): chrX:8,540,021, C>T on the plus strand (G>A on the coding strand, the complement: ANOS1 is on the minus strand). VCF-style: chrX-8540021-C-T. GRCh37 (hg19) VCF-style: chrX-8508062-C-T.
Identifiers: ClinVar variation 667655 (VCV000667655.1), dbSNP rs1639119, ClinGen allele CA326053361.